The following is an entry in ClinVar:

ClinVar aggregate classification (germline): Conflicting classifications of pathogenicity. Review status: criteria provided, conflicting classifications (1 of 4 stars). 4 submissions from 4 submitters: Uncertain significance (1); Likely benign (2). 1 of the submissions does not count toward it. Last evaluated 2025-09-06.

Conditions:
OTOGL-related disorder. Also called: OTOGL-related condition.

Allele frequency attached by ClinVar (database versions not stated): gnomAD exomes 0.00007 and 0.00020; ExAC 0.00029; ESP Exome Variant Server 0.00081; gnomAD 0.00082 and 0.00088; TOPMed 0.00090; 1000 Genomes Project 0.00140; 1000 Genomes Project 30x 0.00141.
gnomAD v4.1: 226 of 1,613,516 alleles (0.014%); highest among the groups gnomAD compares: African/African-American, 0.29%; no homozygotes.

Submissions (4):

Labcorp Genetics (formerly Invitae), Labcorp
Classification: Likely benign. Last evaluated: 2025-09-06. Review status: criteria provided, single submitter. Criteria: Invitae Variant Classification Sherloc (09022015). Collection method: clinical testing. Allele origin: germline.

GeneDx
Classification: Uncertain significance. Last evaluated: 2024-03-12. Review status: criteria provided, single submitter. Criteria: GeneDx Variant Classification Process June 2021. Collection method: clinical testing. Allele origin: germline. Affected: yes.
Comment: In silico analysis supports that this missense variant has a deleterious effect on protein structure/function; Has not been previously published as pathogenic or benign to our knowledge

Laboratory for Molecular Medicine, Mass General Brigham Personalized Medicine
Classification: Likely benign. Last evaluated: 2015-07-30. Review status: criteria provided, single submitter. Criteria: LMM Criteria. Collection method: clinical testing. Allele origin: germline. Observed: 1 variant allele.
Comment: p.Phe777Ser in exon 20 of OTOGL: This variant is not expected to have clinical s ignificance because it has been identified in 0.3% (30/9686) of African chromoso mes by the Exome Aggregation Consortium (ExAC; d bSNP rs192944055).

PreventionGenetics, part of Exact Sciences
Classification: Likely benign for OTOGL-related condition. Last evaluated: 2023-05-10. Review status: no assertion criteria provided. Collection method: clinical testing. Allele origin: germline. Not counted in ClinVar's aggregate classification.
Comment: This variant is classified as likely benign based on ACMG/AMP sequence variant interpretation guidelines (Richards et al. 2015 PMID: 25741868, with internal and published modifications).

NM_001378609.3(OTOGL):c.2357T>C (p.Phe786Ser)

Gene: OTOGL (otogelin like; plus strand). Cytogenetic location: 12q21.31.
Variant type: single nucleotide variant.
Coding change: c.2357T>C on transcript NM_001378609.3 (MANE Select); coding-DNA position 2357, T replaced by C.
Protein change: p.Phe786Ser; replaces phenylalanine 786 with serine.
Molecular consequence: missense variant.
Genome position (GRCh38, 1-based): chr12:80,266,583, T>C. VCF-style: chr12-80266583-T-C. GRCh37 (hg19) VCF-style: chr12-80660363-T-C.
Other names: c.2357T>C, p.Phe786Ser (NM_001368062.3, NM_001378610.3, NM_173591.7); short protein forms F777S, F786S.
Identifiers: ClinVar variation 227813 (VCV000227813.21), dbSNP rs192944055, ClinGen allele CA6700744.